The following is an entry in ClinVar:

NM_012208.4(HARS2):c.1450_1451delinsC (p.Ser484fs)

Gene: HARS2 (histidyl-tRNA synthetase 2, mitochondrial; plus strand). Cytogenetic location: 5q31.3.
Variant type: Indel.
Coding change: c.1450_1451delinsC on transcript NM_012208.4 (MANE Select); coding-DNA positions 1450 to 1451, AG replaced by C.
Protein change: p.Ser484fs; shifts the reading frame from serine 484.
Molecular consequence: frameshift variant.
Genome position (GRCh38, 1-based): chr5:140,698,067-140,698,068, AG replaced by C. VCF-style: chr5-140698067-AG-C. GRCh37 (hg19) VCF-style: chr5-140077652-AG-C.
Other names: c.1375_1376delinsC, p.Ser459fs (NM_001278731.2); c.1018_1019delinsC, p.Ser340fs (NM_001278732.2); c.1468_1469delinsC, p.Ser490fs (NM_001363535.2); c.1240_1241delinsC, p.Ser414fs (NM_001363536.2); short protein forms S340fs, S414fs, S459fs, S484fs, S490fs.
Identifiers: ClinVar variation 1805167 (VCV001805167.2), dbSNP rs2481388247, ClinGen allele CA2573050716.
Genomic context (GRCh38, chr5:140,698,067, plus strand): 5'-GTGGTCATTATTGGTGAGCAAGAACTGAAAGAAGGGGTCATCAAGATCCGTTCAGTGGCC[AG>C]CAGAGAGGAGGTGAGTGGCGGCAGCAGAAATAGAAGGGACGAAGTATTTCTGCCTTTCCC-3'

ClinVar aggregate classification (germline): Uncertain significance (1 of 4 stars; one submission).

Conditions:
Perrault syndrome 2 (PRLTS2). Identifiers: Orphanet 2855, Orphanet 642976, MedGen C3554105, MONDO:0013972, OMIM 614926.

Submission:

Victorian Clinical Genetics Services, Murdoch Childrens Research Institute
Classification: Uncertain significance for Perrault syndrome 2. Last evaluated: 2022-02-02. Review status: criteria provided, single submitter. Criteria: ACMG Guidelines, 2015. Collection method: clinical testing. Allele origin: germline. Inheritance: Autosomal recessive inheritance.
Comment: A heterozygous deletion variant was identified, NM_012208.3(HARS2):c.1450_1451delinsC in exon 12 of 13 of the HARS2 gene. This deletion is predicted to cause a frameshift from amino acid position 484 introducing a stop codon 35 residues downstream, NP_036340.1(HARS2):p.(Ser484Profs*35), resulting in an extension of the reading frame. The variant is present in the gnomAD population database at a frequency of 0.0025% (7 heterozygotes, 0 homozygotes). It has not been previously observed in clinical cases. No other variants predicted to cause an extension of the reading frame have been reported in a clinical testing setting. Based on information available at the time of curation, this variant has been classified as a VARIANT of UNCERTAIN SIGNIFICANCE (VUS).